The following is an entry in ClinVar:

NM_000492.4(CFTR):c.1359G>T (p.Leu453Phe)

Genes: CFTR (CF transmembrane conductance regulator; plus strand), CFTR-AS1 (CFTR antisense RNA 1; minus strand). Cytogenetic location: 7q31.2.
Variant type: single nucleotide variant.
Coding change: c.1359G>T on transcript NM_000492.4 (MANE Select); coding-DNA position 1359, G replaced by T.
Protein change: p.Leu453Phe; replaces leucine 453 with phenylalanine.
Molecular consequence: missense variant.
Genome position (GRCh38, 1-based): chr7:117,548,790, G>T. VCF-style: chr7-117548790-G-T. GRCh37 (hg19) VCF-style: chr7-117188844-G-T.
Other names: short protein forms L453F.
Identifiers: ClinVar variation 3491590 (VCV003491590.1).
Genomic context (GRCh38, chr7:117,548,790, plus strand): 5'-CTCACTTCTTGGTACTCCTGTCCTGAAAGATATTAATTTCAAGATAGAAAGAGGACAGTT[G>T]TTGGCGGTTGCTGGATCCACTGGAGCAGGCAAGGTAGTTCTTTTGTTCTTCACTATTAAG-3'
Protein context (NP_000483.3, residues 443-463): DINFKIERGQ[Leu453Phe]LAVAGSTGAG

ClinVar aggregate classification (germline): Uncertain significance (1 of 4 stars; one submission).

Conditions:
Cystic fibrosis (CF). Also called: MUCOVISCIDOSIS. Identifiers: Orphanet 586, MedGen C0010674, MONDO:0009061, OMIM 219700. Disease mechanism: loss of function.

Submission:

Ambry Genetics
Classification: Uncertain significance for Cystic fibrosis. Last evaluated: 2024-08-29. Review status: criteria provided, single submitter. Criteria: Ambry Variant Classification Scheme 2023. Collection method: clinical testing. Allele origin: germline.
Comment: The p.L453F variant (also known as c.1359G>T), located in coding exon 10 of the CFTR gene, results from a G to T substitution at nucleotide position 1359. The leucine at codon 453 is replaced by phenylalanine, an amino acid with highly similar properties. This amino acid position is not well conserved in available vertebrate species. In addition, the in silico prediction for this alteration is inconclusive. Based on the available evidence, the clinical significance of this variant remains unclear.